The following is an entry in ClinVar:

ClinVar aggregate classification (germline): Pathogenic (1 of 4 stars; one submission).

Conditions:
Hereditary breast ovarian cancer syndrome. Also called: Hereditary breast and/or ovarian cancer syndrome; Hereditary breast and ovarian cancer syndrome; Hereditary breast and ovarian cancer; Hereditary breast and ovarian cancer syndrome (HBOC); Breast and ovarian cancer; BRCA1- and BRCA2-Associated Hereditary Breast and Ovarian Cancer. Identifiers: Orphanet 145, MedGen C0677776, MeSH D061325, MONDO:0003582. Disease mechanism: loss of function.

Submission:

Labcorp Genetics (formerly Invitae), Labcorp
Classification: Pathogenic for Hereditary breast ovarian cancer syndrome. Last evaluated: 2025-12-03. Review status: criteria provided, single submitter. Criteria: Invitae Variant Classification Sherloc (09022015). Collection method: clinical testing. Allele origin: germline.
Comment: This sequence change creates a premature translational stop signal (p.Cys2689Serfs*6) in the BRCA2 gene. It is expected to result in an absent or disrupted protein product. Loss-of-function variants in BRCA2 are known to be pathogenic (PMID: 20104584). This variant is not present in population databases (gnomAD no frequency). This variant has not been reported in the literature in individuals affected with BRCA2-related conditions. For these reasons, this variant has been classified as Pathogenic.

Literature cited by the submitters: PubMed 20104584.

NM_000059.4(BRCA2):c.8064_8065dup (p.Cys2689fs)

Gene: BRCA2 (BRCA2 DNA repair associated; plus strand). Cytogenetic location: 13q13.1.
Variant type: Microsatellite.
Coding change: c.8064_8065dup on transcript NM_000059.4 (MANE Select); coding-DNA positions 8064 to 8065, 2 bases duplicated (CT; older notation c.8064_8065dupCT).
Protein change: p.Cys2689fs; shifts the reading frame from cysteine 2689.
Molecular consequence: frameshift variant.
Genome position (GRCh38, 1-based): chr13:32,363,266-32,363,267, CT duplicated; duplicating any 2 consecutive bases within chr13:32,363,263-32,363,267 gives the same sequence; the c. name uses the placement nearest the transcript's 3' end. VCF-style (leftmost placement, unchanged base first): chr13-32363262-T-TTC. GRCh37 (hg19) VCF-style: chr13-32937399-T-TTC.
Other names: c.7966_7967CT[3], p.Cys2657Serfs (NM_001406719.1); c.8062_8063CT[3], p.Cys2689Serfs (NM_001406720.1); c.3130_3131CT[3], p.Cys1045Serfs (NM_001406721.1); c.1645_1646CT[3], p.Cys550Serfs (NM_001406722.1); short protein forms C2689fs.
Identifiers: ClinVar variation 2094525 (VCV002094525.4), dbSNP rs397507961, ClinGen allele CA2580614681.